The following is an entry in ClinVar:

NM_007294.4(BRCA1):c.4013A>G (p.Lys1338Arg)

Genes: BRCA1 (BRCA1 DNA repair associated; minus strand), LOC126862571 (BRD4-independent group 4 enhancer GRCh37_chr17:41243136-41244335; plus strand). Cytogenetic location: 17q21.31.
Variant type: single nucleotide variant.
Coding change: c.4013A>G on transcript NM_007294.4 (MANE Select); coding-DNA position 4013, A replaced by G.
Protein change: p.Lys1338Arg; replaces lysine 1338 with arginine.
Molecular consequence: missense variant. On other transcripts: intron variant (135).
Genome position (GRCh38, 1-based): chr17:43,091,518, T>C on the plus strand (A>G on the coding strand, the complement: BRCA1 is on the minus strand). VCF-style: chr17-43091518-T-C. GRCh37 (hg19) VCF-style: chr17-41243535-T-C.
Other names: c.788-486A>G (NM_001407978.1, NM_001407974.1, NM_001407979.1 and 17 more transcripts); c.578-486A>G (NM_001408492.1, NM_001408513.1, NM_001408514.1 and 9 more transcripts); c.644-486A>G (NM_001408462.1, NM_001408468.1, NM_001408465.1 and 3 more transcripts); c.710-486A>G (NM_001408414.1, NM_001408411.1, NM_001408415.1 and 2 more transcripts); c.524-486A>G (NM_001408501.1, NM_001408500.1, NM_001408497.1 and 3 more transcripts); c.647-486A>G (NM_001408455.1, NM_001408466.1, NM_001408452.1 and 11 more transcripts); c.521-486A>G (NM_001408503.1, NM_001408505.1, NM_001408504.1); c.662-486A>G (NM_001408447.1, NM_001408433.1, NM_001408448.1 and 6 more transcripts); and 41 more; short protein forms K1338R, K1291R, K1210R, K1211R, K1249R, K1268R, K1270R, K1271R.
Identifiers: ClinVar variation 496374 (VCV000496374.13), dbSNP rs1555586661, ClinGen allele CA10593933.

ClinVar aggregate classification (germline): Conflicting classifications of pathogenicity. Review status: criteria provided, conflicting classifications (1 of 4 stars). 6 submissions from 6 submitters: Uncertain significance (4); Likely benign (1). 1 of the submissions does not count toward it. Last evaluated 2025-09-24.

Conditions:
Breast-ovarian cancer, familial, susceptibility to, 1 (BROVCA1). Also called: OVARIAN CANCER, SUSCEPTIBILITY TO; BRCA1 Hereditary Breast and Ovarian Cancer. Identifiers: Orphanet 145, MedGen C2676676, MONDO:0011450, OMIM 604370. Disease mechanism: loss of function.
Hereditary cancer-predisposing syndrome. Also called: Tumor predisposition; Hereditary Cancer Syndrome; Hereditary neoplastic syndrome; Neoplastic Syndromes, Hereditary. Identifiers: Orphanet 140162, MedGen C0027672, MeSH D009386, MONDO:0015356.
BRCA1-related cancer predisposition. Identifiers: MedGen CN377757, MONDO:0700268.
Hereditary breast ovarian cancer syndrome. Also called: Hereditary breast and ovarian cancer syndrome; Hereditary breast and ovarian cancer; Breast and ovarian cancer; Hereditary breast and/or ovarian cancer syndrome; BRCA1- and BRCA2-Associated Hereditary Breast and Ovarian Cancer; Hereditary breast and ovarian cancer syndrome (HBOC). Identifiers: Orphanet 145, MedGen C0677776, MeSH D061325, MONDO:0003582. Disease mechanism: loss of function.

Submissions (6):

Hema, HEMA – Genetic and Molecular Diagnostic Laboratory
Classification: Uncertain significance for BRCA1-related cancer predisposition. Last evaluated: 2025-09-24. Review status: criteria provided, single submitter. Criteria: HEMA Variant Classification Assertion Criteria. Collection method: clinical testing. Allele origin: germline.
Comment: It is a transition from thymine to cytosine, resulting in the substitution of lysine 1338 by arginine in the BRCA1 protein. PM2_Supporting: Absent in gnomAD v2.1 (non-cancer) and gnomAD v3.1 (non-cancer). PP3: According to the splicing predictor SpliceAI, the variant alters splicing (loss of donor score = 0.28 ≥ 0.2).

Ambry Genetics
Classification: Uncertain significance for Hereditary cancer-predisposing syndrome. Last evaluated: 2025-08-28. Review status: criteria provided, single submitter. Criteria: Ambry Variant Classification Scheme 2023. Collection method: clinical testing. Allele origin: germline.

Labcorp Genetics (formerly Invitae), Labcorp
Classification: Uncertain significance for Hereditary breast ovarian cancer syndrome. Last evaluated: 2024-08-31. Review status: criteria provided, single submitter. Criteria: Invitae Variant Classification Sherloc (09022015). Collection method: clinical testing. Allele origin: germline.
Comment: This sequence change replaces lysine, which is basic and polar, with arginine, which is basic and polar, at codon 1338 of the BRCA1 protein (p.Lys1338Arg). This variant is not present in population databases (gnomAD no frequency). This missense change has been observed in individual(s) with breast and/or ovarian cancer (PMID: 30254663). ClinVar contains an entry for this variant (Variation ID: 496374). Invitae Evidence Modeling of protein sequence and biophysical properties (such as structural, functional, and spatial information, amino acid conservation, physicochemical variation, residue mobility, and thermodynamic stability) indicates that this missense variant is not expected to disrupt BRCA1 protein function with a negative predictive value of 95%. RNA analysis performed to evaluate the impact of this missense change on mRNA splicing indicates it does not significantly alter splicing (internal data). In summary, the available evidence is currently insufficient to determine the role of this variant in disease. Therefore, it has been classified as a Variant of Uncertain Significance.

University of Washington Department of Laboratory Medicine, University of Washington
Classification: Likely benign for Hereditary cancer-predisposing syndrome. Last evaluated: 2023-03-23. Review status: criteria provided, single submitter. Criteria: Dines et al. (Genet Med. 2020). Collection method: curation. Allele origin: germline.
Comment: Missense variant in a coldspot region where missense variants are very unlikely to be pathogenic (PMID:31911673).

BRCA1 coldspot (exon 11 using historical exon numbering). Reclassification based on statistical prior probability

Women's Health and Genetics/Laboratory Corporation of America, LabCorp
Classification: Uncertain significance. Last evaluated: 2016-10-20. Review status: criteria provided, single submitter. Criteria: LabCorp Variant Classification Summary - May 2015. Collection method: clinical testing. Allele origin: germline.
Comment: Variant summary: The BRCA1 c.4013A>G (p.Lys1338Arg) variant causes a missense change involving a non-conserved nucleotide with 4/4 in silico tools (SNPs&GO not captured due to low reliability index) predict a benign outcome, although these predictions have yet to be functionally assessed. The variant of interest has not been observed in controls (ExAC, 1000 Gs, or ESP), nor has it been, to our knowledge, reported in affected individuals via publications and/or reputable databases/clinical diagnostic laboratories. Therefore, due to the limited available information (ie, lack of clinical and functional studies), the variant of interest has been classified as a "Variant of Uncertain Significance (VUS)," until additional information becomes available.

Department of Medical and Surgical Sciences, University of Bologna
Classification: Uncertain significance for Breast-ovarian cancer, familial, susceptibility to, 1. Last evaluated: 2023-09-01. Review status: no assertion criteria provided. Collection method: clinical testing. Allele origin: germline. Affected: yes. Not counted in ClinVar's aggregate classification.
Comment: PM2(Supporting)+PP3(Supporting) according to ACMG/AMP classification guidelines specified for BRCA1 & BRCA2 (Classification Criteria V1.0.0 2023-09-08) (PMID: 38160042)

Literature cited by the submitters: PubMed 30254663 (cited by Labcorp Genetics (formerly Invitae), Labcorp).